The following is an entry in ClinVar:

NM_000051.4(ATM):c.3746+1G>A

Gene: ATM (ATM serine/threonine kinase; plus strand). Cytogenetic location: 11q22.3.
Variant type: single nucleotide variant.
Coding change: c.3746+1G>A on transcript NM_000051.4 (MANE Select); the canonical splice donor site of the intron after coding-DNA position 3746, G replaced by A.
Molecular consequence: splice donor variant.
Genome position (GRCh38, 1-based): chr11:108,282,880, G>A. VCF-style: chr11-108282880-G-A. GRCh37 (hg19) VCF-style: chr11-108153607-G-A.
Other names: c.3746+1G>A (NM_001351834.2).
Identifiers: ClinVar variation 1323601 (VCV001323601.5), dbSNP rs2082309297, ClinGen allele CA382523920.

ClinVar aggregate classification (germline): Pathogenic/Likely pathogenic. Review status: criteria provided, multiple submitters, no conflicts (2 of 4 stars). 2 submissions from 2 submitters: Pathogenic (1); Likely pathogenic (1). Last evaluated 2025-06-02.

Conditions:
Ataxia-telangiectasia syndrome (AT). Also called: LOUIS-BAR SYNDROME; Cerebello-oculocutaneous telangiectasia; Immunodeficiency with ataxia telangiectasia; Ataxia-telangiectasia, complementation group D; AT, COMPLEMENTATION GROUP C; ATAXIA-TELANGIECTASIA, COMPLEMENTATION GROUP A. Identifiers: Orphanet 100, MedGen C0004135, MONDO:0008840, OMIM 208900.
Hereditary cancer-predisposing syndrome. Also called: Hereditary Cancer Syndrome; Hereditary neoplastic syndrome; Neoplastic Syndromes, Hereditary; Tumor predisposition. Identifiers: Orphanet 140162, MedGen C0027672, MeSH D009386, MONDO:0015356.

Submissions (2):

Ambry Genetics
Classification: Likely pathogenic for Hereditary cancer-predisposing syndrome. Last evaluated: 2025-06-02. Review status: criteria provided, single submitter. Criteria: Ambry Variant Classification Scheme 2023. Collection method: clinical testing. Allele origin: germline.
Comment: The c.3746+1G>A intronic variant results from a G to A substitution one nucleotide after coding exon 24 of the ATM gene. This variant has been identified in conjunction with other ATM variant(s) in individual(s) with features consistent with Ataxia telangiectasia (Micol R et al. J Allergy Clin Immunol, 2011 Aug;128:382-9.e1; M&eacute;neret A et al. Neurology, 2014 Sep;83:1087-95). This nucleotide position is highly conserved in available vertebrate species. In silico splice site analysis predicts that this alteration will weaken the native splice donor site. RNA studies have demonstrated that this alteration results in abnormal splicing in the set of samples tested (Ambry internal data). This variant is considered to be rare based on population cohorts in the Genome Aggregation Database (gnomAD). Alterations that disrupt the canonical splice site are expected to cause aberrant splicing, resulting in an abnormal protein or a transcript that is subject to nonsense-mediated mRNA decay. As such, this alteration is classified as likely pathogenic.

Revvity Omics, Revvity
Classification: Pathogenic for Ataxia-telangiectasia syndrome. Last evaluated: 2020-02-07. Review status: criteria provided, single submitter. Criteria: ACMG Guidelines, 2015. Collection method: clinical testing. Allele origin: germline.

Literature cited by the submitters: PubMed 21665257 (cited by Ambry Genetics); PubMed 25122203 (cited by Ambry Genetics).